The following is an entry in ClinVar:

ClinVar aggregate classification (germline): Uncertain significance (1 of 4 stars; one submission).

Conditions:
Schimke immuno-osseous dysplasia (SIOD). Also called: Schimke Immunoosseous Dysplasia. Identifiers: Orphanet 1830, MedGen C0877024, MONDO:0009458, OMIM 242900.

Allele frequency attached by ClinVar (database versions not stated): gnomAD 0.00001.
gnomAD v4.1: 3 of 1,613,946 alleles (0.00019%); highest among the groups gnomAD compares: Admixed American, 0.0017%; no homozygotes.

Submission:

Labcorp Genetics (formerly Invitae), Labcorp
Classification: Uncertain significance for Schimke immuno-osseous dysplasia. Last evaluated: 2024-02-17. Review status: criteria provided, single submitter. Criteria: Invitae Variant Classification Sherloc (09022015). Collection method: clinical testing. Allele origin: germline.
Comment: This sequence change replaces alanine, which is neutral and non-polar, with glutamic acid, which is acidic and polar, at codon 355 of the SMARCAL1 protein (p.Ala355Glu). This variant is not present in population databases (gnomAD no frequency). This variant has not been reported in the literature in individuals affected with SMARCAL1-related conditions. ClinVar contains an entry for this variant (Variation ID: 2181256). Advanced modeling of protein sequence and biophysical properties (such as structural, functional, and spatial information, amino acid conservation, physicochemical variation, residue mobility, and thermodynamic stability) performed at Invitae indicates that this missense variant is not expected to disrupt SMARCAL1 protein function with a negative predictive value of 80%. In summary, the available evidence is currently insufficient to determine the role of this variant in disease. Therefore, it has been classified as a Variant of Uncertain Significance.

NM_014140.4(SMARCAL1):c.1064C>A (p.Ala355Glu)

Gene: SMARCAL1 (SNF2 related chromatin remodeling annealing helicase 1; plus strand). Cytogenetic location: 2q35.
Variant type: single nucleotide variant.
Coding change: c.1064C>A on transcript NM_014140.4 (MANE Select); coding-DNA position 1064, C replaced by A.
Protein change: p.Ala355Glu; replaces alanine 355 with glutamic acid.
Molecular consequence: missense variant.
Genome position (GRCh38, 1-based): chr2:216,420,500, C>A. VCF-style: chr2-216420500-C-A. GRCh37 (hg19) VCF-style: chr2-217285223-C-A.
Other names: c.1064C>A, p.Ala355Glu (NM_001127207.2); short protein forms A355E.
Identifiers: ClinVar variation 2181256 (VCV002181256.3), dbSNP rs772913825, ClinGen allele CA350498677.